The following is an entry in ClinVar:

NM_031296.3(RAB33B):c.16G>T (p.Glu6Ter)

Gene: RAB33B (RAB33B, member RAS oncogene family; plus strand). Cytogenetic location: 4q31.1.
Variant type: single nucleotide variant.
Coding change: c.16G>T on transcript NM_031296.3 (MANE Select); coding-DNA position 16, G replaced by T.
Protein change: p.Glu6Ter; replaces glutamic acid 6 with a stop codon.
Molecular consequence: nonsense.
Genome position (GRCh38, 1-based): chr4:139,454,211, G>T. VCF-style: chr4-139454211-G-T. GRCh37 (hg19) VCF-style: chr4-140375365-G-T.
Other names: short protein forms E6*.
Identifiers: ClinVar variation 3655222 (VCV003655222.2).
Genomic context (GRCh38, chr4:139,454,211, plus strand): 5'-TCTGTGTCTCCTTTCCTCCGCCTCAGTTTGGGGCGGGTCGGGGGAATGGCTGAGGAGATG[G>T]AGTCGTCGCTCGAGGCAAGCTTTTCGTCCAGCGGGGCAGTGTCAGGGGCCTCAGGGTTTT-3'

ClinVar aggregate classification (germline): Pathogenic (1 of 4 stars; one submission).

Submission:

Labcorp Genetics (formerly Invitae), Labcorp
Classification: Pathogenic. Last evaluated: 2024-06-25. Review status: criteria provided, single submitter. Criteria: Invitae Variant Classification Sherloc (09022015). Collection method: clinical testing. Allele origin: germline.
Comment: This sequence change creates a premature translational stop signal (p.Glu6*) in the RAB33B gene. It is expected to result in an absent or disrupted protein product. Loss-of-function variants in RAB33B are known to be pathogenic (PMID: 28127940, 34000439, 34284742). This variant is not present in population databases (gnomAD no frequency). This variant has not been reported in the literature in individuals affected with RAB33B-related conditions. For these reasons, this variant has been classified as Pathogenic.

Literature cited by the submitters: PubMed 28127940; PubMed 34000439; PubMed 34284742.